The following is an entry in ClinVar:

ClinVar aggregate classification (germline): Pathogenic (1 of 4 stars; one submission).

Conditions:
Multiple congenital anomalies-hypotonia-seizures syndrome 1 (MCAHS1). Also called: PIGN-CDG; Congenital disorder of glycosylation due to PIGN deficiency; GLYCOSYLPHOSPHATIDYLINOSITOL BIOSYNTHESIS DEFECT 3. Identifiers: Orphanet 280633, MedGen C3279775, MONDO:0013563, OMIM 614080.

Submission:

Labcorp Genetics (formerly Invitae), Labcorp
Classification: Pathogenic for Multiple congenital anomalies-hypotonia-seizures syndrome 1. Last evaluated: 2025-12-16. Review status: criteria provided, single submitter. Criteria: Invitae Variant Classification Sherloc (09022015). Collection method: clinical testing. Allele origin: germline.
Comment: This sequence change creates a premature translational stop signal (p.Ala577Leufs*14) in the PIGN gene. It is expected to result in an absent or disrupted protein product. Loss-of-function variants in PIGN are known to be pathogenic (PMID: 24253414, 27038415). This variant is not present in population databases (gnomAD no frequency). This variant has not been reported in the literature in individuals affected with PIGN-related conditions. For these reasons, this variant has been classified as Pathogenic.

Literature cited by the submitters: PubMed 24253414; PubMed 27038415.

NM_176787.5(PIGN):c.1728del (p.Ala577fs)

Gene: PIGN (phosphatidylinositol glycan anchor biosynthesis class N; minus strand). Cytogenetic location: 18q21.33.
Variant type: Deletion.
Coding change: c.1728del on transcript NM_176787.5 (MANE Select); coding-DNA position 1728, one base deleted (A; older notation c.1728delA).
Protein change: p.Ala577fs; shifts the reading frame from alanine 577.
Molecular consequence: frameshift variant.
Genome position (GRCh38, 1-based): chr18:62,106,828, T deleted on the plus strand (A on the coding strand, the reverse complement: PIGN is on the minus strand). VCF-style (leftmost placement, unchanged base first): chr18-62106827-CT-C. GRCh37 (hg19) VCF-style: chr18-59774060-CT-C.
Other names: c.1728del, p.Ala577fs (NM_001438896.1, NM_001438904.1, NM_001438905.1 and 1 more transcripts); c.1326del, p.Ala443fs (NM_001438910.1); short protein forms A443fs, A577fs.
Identifiers: ClinVar variation 4733355 (VCV004733355.1).